The following is an entry in ClinVar:

ClinVar aggregate classification (germline): Uncertain significance. Review status: criteria provided, multiple submitters, no conflicts (2 of 4 stars). 5 submissions from 5 submitters: Uncertain significance (5). Last evaluated 2026-01-21.

Conditions:
Cardiomyopathy (CMYO). Also called: Cardiomyopathies. Identifiers: Orphanet 167848, MedGen C0878544, MONDO:0004994, HP:0001638. Inheritance: Various modes of inheritance.
Cardiovascular phenotype. Identifiers: MedGen CN230736.
Hypertrophic cardiomyopathy. Also called: HYPERTROPHIC MYOCARDIOPATHY. Identifiers: Orphanet 217569, MedGen C0007194, MeSH D002312, MONDO:0005045, HP:0001639.

Allele frequency attached by ClinVar (database versions not stated): ExAC 0.00001; gnomAD 0.00001; gnomAD exomes 0.00001; TOPMed 0.00002.
gnomAD v4.1: 17 of 1,614,078 alleles (0.0011%); highest among the groups gnomAD compares: African/African-American, 0.004%; no homozygotes.

Submissions (5):

Labcorp Genetics (formerly Invitae), Labcorp
Classification: Uncertain significance for Hypertrophic cardiomyopathy. Last evaluated: 2026-01-21. Review status: criteria provided, single submitter. Criteria: Invitae Variant Classification Sherloc (09022015). Collection method: clinical testing. Allele origin: germline.
Comment: This sequence change replaces arginine, which is basic and polar, with cysteine, which is neutral and slightly polar, at codon 1662 of the MYH7 protein (p.Arg1662Cys). This variant is present in population databases (rs773977507, gnomAD 0.003%). This missense change has been observed in individual(s) with hypertrophic cardiomyopathy (PMID: 37652022). ClinVar contains an entry for this variant (Variation ID: 849036). Invitae Evidence Modeling of protein sequence and biophysical properties (such as structural, functional, and spatial information, amino acid conservation, physicochemical variation, residue mobility, and thermodynamic stability) indicates that this missense variant is expected to disrupt MYH7 protein function with a positive predictive value of 95%. In summary, the available evidence is currently insufficient to determine the role of this variant in disease. Therefore, it has been classified as a Variant of Uncertain Significance.

Ambry Genetics
Classification: Uncertain significance for Cardiovascular phenotype. Last evaluated: 2025-02-03. Review status: criteria provided, single submitter. Criteria: Ambry Variant Classification Scheme 2023. Collection method: clinical testing. Allele origin: germline.
Comment: The p.R1662C variant (also known as c.4984C>T), located in coding exon 33 of the MYH7 gene, results from a C to T substitution at nucleotide position 4984. The arginine at codon 1662 is replaced by cysteine, an amino acid with highly dissimilar properties. This variant was reported in individual(s) with features consistent with hypertrophic cardiomyopathy (HCM) (McGurk KA et al. Am J Hum Genet, 2023 Sep;110:1482-1495). This amino acid position is well conserved in available vertebrate species. In addition, the in silico prediction for this alteration is inconclusive. Based on the available evidence, the clinical significance of this variant remains unclear.

All of Us Research Program, National Institutes of Health
Classification: Uncertain significance for Cardiomyopathy. Last evaluated: 2024-05-30. Review status: criteria provided, single submitter. Criteria: ACMG Guidelines, 2015. Collection method: clinical testing. Allele origin: germline. Inheritance: Autosomal dominant inheritance. Observed: 4 variant alleles, 4 heterozygotes.
Comment: This missense variant replaces arginine with cysteine at codon 1662 of the MYH7 protein. Computational prediction suggests that this variant may not impact protein structure and function (internally defined REVEL score threshold <= 0.5, PMID: 27666373). To our knowledge, functional studies have not been reported for this variant. This variant has not been reported in individuals affected with MYH7-related disorders in the literature. This variant has been identified in 2/251414 chromosomes in the general population by the Genome Aggregation Database (gnomAD). The available evidence is insufficient to determine the role of this variant in disease conclusively. Therefore, this variant is classified as a Variant of Uncertain Significance.

This study involves interpretation of variants in research participants for the purpose of population health screening. Participant phenotype was not available at the time of variant classification. Additional details can be found in publication PMID: 35346344, PMCID: PMC8962531

Color Diagnostics, LLC DBA Color Health
Classification: Uncertain significance for Cardiomyopathy. Last evaluated: 2023-06-21. Review status: criteria provided, single submitter. Criteria: ACMG Guidelines, 2015. Collection method: clinical testing. Allele origin: germline.
Comment: This missense variant replaces arginine with cysteine at codon 1662 of the MYH7 protein. Computational prediction suggests that this variant may not impact protein structure and function (internally defined REVEL score threshold <= 0.5, PMID: 27666373). To our knowledge, functional studies have not been reported for this variant. This variant has not been reported in individuals affected with MYH7-related disorders in the literature. This variant has been identified in 2/251414 chromosomes in the general population by the Genome Aggregation Database (gnomAD). The available evidence is insufficient to determine the role of this variant in disease conclusively. Therefore, this variant is classified as a Variant of Uncertain Significance.

Revvity Omics, Revvity
Classification: Uncertain significance. Last evaluated: 2022-04-07. Review status: criteria provided, single submitter. Criteria: ACMG Guidelines, 2015. Collection method: clinical testing. Allele origin: germline.

Literature cited by the submitters: PubMed 37652022 (cited by Labcorp Genetics (formerly Invitae), Labcorp and Ambry Genetics).

NM_000257.4(MYH7):c.4984C>T (p.Arg1662Cys)

Genes: MHRT (myosin heavy chain associated RNA transcript; plus strand), MYH7 (myosin heavy chain 7; minus strand), LOC126861897 (BRD4-independent group 4 enhancer GRCh37_chr14:23884455-23885654; plus strand). Cytogenetic location: 14q11.2.
Variant type: single nucleotide variant.
Coding change: c.4984C>T on transcript NM_000257.4 (MANE Select); coding-DNA position 4984, C replaced by T.
Protein change: p.Arg1662Cys; replaces arginine 1662 with cysteine.
Molecular consequence: missense variant. On other transcripts: non-coding transcript variant (1).
Genome position (GRCh38, 1-based): chr14:23,415,802, G>A on the plus strand (C>T on the coding strand, the complement: MYH7 is on the minus strand). VCF-style: chr14-23415802-G-A. GRCh37 (hg19) VCF-style: chr14-23885011-G-A.
Other names: short protein forms R1662C.
Identifiers: ClinVar variation 849036 (VCV000849036.16), dbSNP rs773977507, ClinGen allele CA044615.
Genomic context (GRCh38, chr14:23,415,802, plus strand): 5'-GCAGCAGGTTGTTGCGCCGCTCCACGATGGCGATGTTCTCCTTCAGGTCGTCGTTGGCAC[G>A]GACTGCATCGTCCAGCTGAATCTGGGTGTCCTGAGGATCAGGAGAGTGGGCATGAGCAGG-3'
Protein context (NP_000248.2, residues 1652-1672): DTQIQLDDAV[Arg1662Cys]ANDDLKENIA